The following is an entry in ClinVar:

ClinVar aggregate classification (germline): Uncertain significance (1 of 4 stars; one submission).

Conditions:
Achondrogenesis, type IA (ACG1A). Identifiers: Orphanet 932, Orphanet 93299, MedGen C0265273, MONDO:0008701, OMIM 200600.

Allele frequency attached by ClinVar (database versions not stated): ExAC 0.00001.

Submission:

Labcorp Genetics (formerly Invitae), Labcorp
Classification: Uncertain significance for Achondrogenesis, type IA. Last evaluated: 2022-02-20. Review status: criteria provided, single submitter. Criteria: Invitae Variant Classification Sherloc (09022015). Collection method: clinical testing. Allele origin: germline.
Comment: Algorithms developed to predict the effect of missense changes on protein structure and function are either unavailable or do not agree on the potential impact of this missense change (SIFT: "Not Available"; PolyPhen-2: "Probably Damaging"; Align-GVGD: "Not Available"). In summary, the available evidence is currently insufficient to determine the role of this variant in disease. Therefore, it has been classified as a Variant of Uncertain Significance. This variant has not been reported in the literature in individuals affected with TRIP11-related conditions. This variant is not present in population databases (gnomAD no frequency). This sequence change replaces alanine, which is neutral and non-polar, with proline, which is neutral and non-polar, at codon 127 of the TRIP11 protein (p.Ala127Pro).

NM_004239.4(TRIP11):c.379G>C (p.Ala127Pro)

Gene: TRIP11 (thyroid hormone receptor interactor 11; minus strand). Cytogenetic location: 14q32.12.
Variant type: single nucleotide variant.
Coding change: c.379G>C on transcript NM_004239.4 (MANE Select); coding-DNA position 379, G replaced by C.
Protein change: p.Ala127Pro; replaces alanine 127 with proline.
Molecular consequence: missense variant.
Genome position (GRCh38, 1-based): chr14:92,021,765, C>G on the plus strand (G>C on the coding strand, the complement: TRIP11 is on the minus strand). VCF-style: chr14-92021765-C-G. GRCh37 (hg19) VCF-style: chr14-92488109-C-G.
Other names: c.376G>C, p.Ala126Pro (NM_001321851.1); short protein forms A126P, A127P.
Identifiers: ClinVar variation 1932517 (VCV001932517.5), dbSNP rs757576503, ClinGen allele CA7314198.